The following is an entry in ClinVar:

NM_025114.4(CEP290):c.2711T>C (p.Val904Ala)

Gene: CEP290 (centrosomal protein 290; minus strand). Cytogenetic location: 12q21.32.
Variant type: single nucleotide variant.
Coding change: c.2711T>C on transcript NM_025114.4 (MANE Select); coding-DNA position 2711, T replaced by C.
Protein change: p.Val904Ala; replaces valine 904 with alanine.
Molecular consequence: missense variant.
Genome position (GRCh38, 1-based): chr12:88,106,781, A>G on the plus strand (T>C on the coding strand, the complement: CEP290 is on the minus strand). VCF-style: chr12-88106781-A-G. GRCh37 (hg19) VCF-style: chr12-88500558-A-G.
Other names: short protein forms V904A.
Identifiers: ClinVar variation 4996929 (VCV004996929.1).

ClinVar aggregate classification (germline): Uncertain significance (1 of 4 stars; one submission).

Conditions:
CEP290-related disorder. Also called: CEP290-related condition; CEP290-related disorders. Identifiers: MedGen CN239314.

gnomAD v4.1: 1 of 1,610,422 alleles (0.000062%); highest among the groups gnomAD compares: Non-Finnish European, 0.000085%; no homozygotes.

Submission:

PreventionGenetics, part of Exact Sciences
Classification: Uncertain significance for CEP290-related condition. Last evaluated: 2025-03-11. Review status: criteria provided, single submitter. Criteria: ACMG Guidelines, 2015. Collection method: clinical testing. Allele origin: germline.
Comment: The CEP290 c.2711T>C variant is predicted to result in the amino acid substitution p.Val904Ala. To our knowledge, this variant has not been reported in the literature or in a large population database (gnomAD), indicating this variant is rare. At this time, the clinical significance of this variant is uncertain due to the absence of conclusive functional and genetic evidence.